The following is an entry in ClinVar:

ClinVar aggregate classification (germline): Benign/Likely benign. Review status: criteria provided, multiple submitters, no conflicts (2 of 4 stars). 4 submissions from 4 submitters: Benign (2); Likely benign (1). 1 of the submissions does not count toward it. Last evaluated 2026-02-01.

Conditions:
C9-related disorder. Also called: C9-related condition.

Allele frequency attached by ClinVar (database versions not stated): gnomAD exomes 0.00218 and 0.00080; gnomAD 0.00927 and 0.00871; TOPMed 0.00960; 1000 Genomes Project 30x 0.00953; 1000 Genomes Project 0.00899; ESP Exome Variant Server 0.01161.
gnomAD v4.1: 2,516 of 1,612,076 alleles (0.16%); highest among the groups gnomAD compares: African/African-American, 3%; 41 homozygotes.

Submissions (4):

Labcorp Genetics (formerly Invitae), Labcorp
Classification: Benign. Last evaluated: 2026-02-01. Review status: criteria provided, single submitter. Criteria: Invitae Variant Classification Sherloc (09022015). Collection method: clinical testing. Allele origin: germline.

Women's Health and Genetics/Laboratory Corporation of America, LabCorp
Classification: Likely benign. Last evaluated: 2026-01-22. Review status: criteria provided, single submitter. Criteria: LabCorp Variant Classification Summary - May 2015. Collection method: clinical testing. Allele origin: germline.

Breakthrough Genomics
Classification: Benign. Review status: criteria provided, single submitter. Criteria: ACMG Guidelines, 2015. Collection method: not provided. Allele origin: germline. Inheritance: Autosomal dominant inheritance. Affected: yes.

PreventionGenetics, part of Exact Sciences
Classification: Benign for C9-related condition. Last evaluated: 2019-09-26. Review status: no assertion criteria provided. Collection method: clinical testing. Allele origin: germline. Not counted in ClinVar's aggregate classification.
Comment: This variant is classified as benign based on ACMG/AMP sequence variant interpretation guidelines (Richards et al. 2015 PMID: 25741868, with internal and published modifications).

NM_001737.5(C9):c.636C>T (p.Phe212=)

Gene: C9 (complement C9; minus strand). Cytogenetic location: 5p13.1.
Variant type: single nucleotide variant.
Coding change: c.636C>T on transcript NM_001737.5 (MANE Select); coding-DNA position 636, C replaced by T.
Protein change: p.Phe212=; no amino-acid change (phenylalanine 212 retained).
Molecular consequence: synonymous variant.
Genome position (GRCh38, 1-based): chr5:39,316,009, G>A on the plus strand (C>T on the coding strand, the complement: C9 is on the minus strand). VCF-style: chr5-39316009-G-A. GRCh37 (hg19) VCF-style: chr5-39316111-G-A.
Other names: c.636C>T (NM_001737.4).
Identifiers: ClinVar variation 1170112 (VCV001170112.13), dbSNP rs114751055, ClinGen allele CA3246924.